The following is an entry in ClinVar:

NM_000441.2(SLC26A4):c.1265T>G (p.Val422Gly)

Gene: SLC26A4 (solute carrier family 26 member 4; plus strand). Cytogenetic location: 7q22.3.
Variant type: single nucleotide variant.
Coding change: c.1265T>G on transcript NM_000441.2 (MANE Select); coding-DNA position 1265, T replaced by G.
Protein change: p.Val422Gly; replaces valine 422 with glycine.
Molecular consequence: missense variant.
Genome position (GRCh38, 1-based): chr7:107,694,404, T>G. VCF-style: chr7-107694404-T-G. GRCh37 (hg19) VCF-style: chr7-107334849-T-G.
Other names: short protein forms V422G.
Identifiers: ClinVar variation 1306038 (VCV001306038.4), dbSNP rs1057520369, ClinGen allele CA368840241.
Genomic context (GRCh38, chr7:107,694,404, plus strand): 5'-AGCTGGAAGACACAAGGGAGAAGGACGAATCCTTTTCATAGGAGGTGTGTGTCTTCCAGG[T>G]TGCTGGCATCATCTCTGCTGCGATTGTGATGATCGCCATTCTTGCCCTGGGGAAGCTTCT-3'
Protein context (NP_000432.1, residues 412-432): VQESTGGKTQ[Val422Gly]AGIISAAIVM

ClinVar aggregate classification (germline): Conflicting classifications of pathogenicity. Review status: criteria provided, conflicting classifications (1 of 4 stars). 2 submissions from 2 submitters: Likely pathogenic (1); Uncertain significance (1). Last evaluated 2023-07-24.

Allele frequency attached by ClinVar (database versions not stated): TOPMed below 0.00001; gnomAD 0.00001.
gnomAD v4.1: 2 of 1,612,840 alleles (0.00012%); highest among the groups gnomAD compares: African/African-American, 0.0027%; no homozygotes.

Submissions (2):

Women's Health and Genetics/Laboratory Corporation of America, LabCorp
Classification: Uncertain significance. Last evaluated: 2023-07-24. Review status: criteria provided, single submitter. Criteria: LabCorp Variant Classification Summary - May 2015. Collection method: clinical testing. Allele origin: germline.
Comment: Variant summary: SLC26A4 c.1265T>G (p.Val422Gly) results in a non-conservative amino acid change located in the SLC26A/SulP transporter domain (IPR011547) of the encoded protein sequence. Five of five in-silico tools predict a damaging effect of the variant on protein function. Several computational tools predict a significant impact on normal splicing: Three predict the variant weakens a canonical 3' acceptor site, whereas one predicts the variant has no significant impact on splicing. However, these predictions have yet to be confirmed by functional studies. The variant was absent in 250736 control chromosomes (gnomAD). The available data on variant occurrences in the general population are insufficient to allow any conclusion about variant significance. To our knowledge, no occurrence of c.1265T>G in individuals affected with Pendred Syndrome and no experimental evidence demonstrating its impact on protein function have been reported. One submitter has provided a clinical-significance assessment for this variant to ClinVar after 2014 and has classified the variant as likely pathogenic. Based on the evidence outlined above, the variant was classified as uncertain significance.

GeneDx
Classification: Likely pathogenic. Last evaluated: 2022-03-11. Review status: criteria provided, single submitter. Criteria: GeneDx Variant Classification Process June 2021. Collection method: clinical testing. Allele origin: germline. Affected: yes.
Comment: Not observed at significant frequency in large population cohorts (gnomAD); In silico analysis supports that this missense variant has a deleterious effect on protein structure/function; Has not been previously published as pathogenic or benign to our knowledge